The following is an entry in ClinVar:

NM_003738.5(PTCH2):c.1054C>T (p.Leu352=)

Gene: PTCH2 (patched 2; minus strand). Cytogenetic location: 1p34.1.
Variant type: single nucleotide variant.
Coding change: c.1054C>T on transcript NM_003738.5 (MANE Select); coding-DNA position 1054, C replaced by T.
Protein change: p.Leu352=; no amino-acid change (leucine 352 retained).
Molecular consequence: synonymous variant.
Genome position (GRCh38, 1-based): chr1:44,829,643, G>A on the plus strand (C>T on the coding strand, the complement: PTCH2 is on the minus strand). VCF-style: chr1-44829643-G-A. GRCh37 (hg19) VCF-style: chr1-45295315-G-A.
Other names: c.1054C>T, p.Leu352= (NM_001166292.2).
Identifiers: ClinVar variation 696536 (VCV000696536.12), dbSNP rs200855030, ClinGen allele CA823458.
Genomic context (GRCh38, chr1:44,829,643, plus strand): 5'-GGGCACCCCCCTTGTCCTTGTCCATACCGACCTGCACAAAGCGCCGCTGCCAGGCTTGTA[G>A]CACTGTGCTGGCCTGCTCCTCACTCCAGCCAATGTCATGTGTCTGATAGTCACCCCGGAA-3'
Protein context (NP_003729.3, residues 342-362): GWSEEQASTV[Leu352=]QAWQRRFVQL

ClinVar aggregate classification (germline): Benign. Review status: criteria provided, single submitter (1 of 4 stars). 2 submissions from 2 submitters: Benign (1). 1 of the submissions does not count toward it. Last evaluated 2025-07-31.

Conditions:
PTCH2-related disorder. Also called: PTCH2-related condition; PTCH2-related disease.
Gorlin syndrome. Also called: Nevoid Basal Cell Carcinoma Syndrome; Basal cell nevus syndrome. Identifiers: Orphanet 377, MedGen C0004779, MONDO:0007187.

Allele frequency attached by ClinVar (database versions not stated): gnomAD 0.00003; gnomAD exomes 0.00005 and 0.00025; 1000 Genomes Project 30x 0.00016; ExAC 0.00016; TOPMed 0.00017; 1000 Genomes Project 0.00020.
gnomAD v4.1: 76 of 1,614,230 alleles (0.0047%); highest among the groups gnomAD compares: Admixed American, 0.12%; no homozygotes.

Submissions (2):

Labcorp Genetics (formerly Invitae), Labcorp
Classification: Benign for Gorlin syndrome. Last evaluated: 2025-07-31. Review status: criteria provided, single submitter. Criteria: Invitae Variant Classification Sherloc (09022015). Collection method: clinical testing. Allele origin: germline.

PreventionGenetics, part of Exact Sciences
Classification: Likely benign for PTCH2-related condition. Last evaluated: 2024-04-25. Review status: no assertion criteria provided. Collection method: clinical testing. Allele origin: germline. Not counted in ClinVar's aggregate classification.
Comment: This variant is classified as likely benign based on ACMG/AMP sequence variant interpretation guidelines (Richards et al. 2015 PMID: 25741868, with internal and published modifications).